The following is an entry in ClinVar:

NM_178170.3(NEK8):c.1804C>T (p.Arg602Trp)

Gene: NEK8 (NIMA related kinase 8; plus strand). Cytogenetic location: 17q11.2.
Variant type: single nucleotide variant.
Coding change: c.1804C>T on transcript NM_178170.3 (MANE Select); coding-DNA position 1804, C replaced by T.
Protein change: p.Arg602Trp; replaces arginine 602 with tryptophan.
Molecular consequence: missense variant.
Genome position (GRCh38, 1-based): chr17:28,741,149, C>T. VCF-style: chr17-28741149-C-T. GRCh37 (hg19) VCF-style: chr17-27068167-C-T.
Other names: short protein forms R602W.
Identifiers: ClinVar variation 490180 (VCV000490180.7), dbSNP rs773883764, ClinGen allele CA8467547.

ClinVar aggregate classification (germline): Uncertain significance. Review status: criteria provided, multiple submitters, no conflicts (2 of 4 stars). 4 submissions from 4 submitters: Uncertain significance (3). 1 of the submissions does not count toward it. Last evaluated 2025-09-17.

Conditions:
Polycystic kidney disease 8. Identifiers: MedGen C5935640, MONDO:0971178, OMIM 620903.
Renal-hepatic-pancreatic dysplasia 2 (RHPD2). Identifiers: MedGen C3809434, MONDO:0014174, OMIM 615415.
Nephronophthisis 9 (NPHP9). Identifiers: Orphanet 655, MedGen C3151188, MONDO:0013444, OMIM 613824.
NEK8-related disorder. Also called: NEK8-related condition.

Allele frequency attached by ClinVar (database versions not stated): ExAC 0.00002; gnomAD exomes 0.00004 and 0.00006; gnomAD 0.00005; TOPMed 0.00005.
gnomAD v4.1: 88 of 1,613,982 alleles (0.0055%); highest among the groups gnomAD compares: South Asian, 0.0088%; no homozygotes.

Submissions (4):

PreventionGenetics, part of Exact Sciences
Classification: Uncertain significance for NEK8-related condition. Last evaluated: 2025-09-17. Review status: criteria provided, single submitter. Criteria: ACMG Guidelines, 2015. Collection method: clinical testing. Allele origin: germline.
Comment: The NEK8 c.1804C>T variant is predicted to result in the amino acid substitution p.Arg602Trp. This variant has been reported in the compound heterozygous state with a second NEK8 missense variant (p.Thr87Ala) in an individual with syndromic renal cystic dysplasia (Grampa et al. 2016. PubMed ID: 26967905). In vitro functional studies of patient fibroblasts and transformed mammalian cell lines showed a loss of NEK8 ciliary localization with accumulation in the Golgi/cytoplasm, leading to impaired ciliogenesis, reduced ANKS6 co-localization, cell cycle dysregulation, accumulation of DNA damage markers, increased rates of apoptosis, and disorganized epithelial morphology (Grampa et al. 2016. PubMed ID: 26967905). Additional in vivo studies in zebrafish embryos found that transfection of p.Arg602Trp not only failed to rescue, but actually exacerbated, the "classical ciliopathy phenotype" (abnormal body curvature, laterality defects, and pronephric cysts) observed in NEK8-deficient specimens (Grampa et al. 2016. PubMed ID: 26967905). This variant is reported in 0.0098% of alleles in individuals of South Asian descent in gnomAD. Although we suspect that the p.Arg602Trp variant may be pathogenic, the clinical significance of this variant is uncertain at this time due to the absence of conclusive functional and genetic evidence.

Fulgent Genetics
Classification: Uncertain significance for Nephronophthisis 9; Renal-hepatic-pancreatic dysplasia 2; Polycystic kidney disease 8. Last evaluated: 2024-05-14. Review status: criteria provided, single submitter. Criteria: ACMG Guidelines, 2015. Collection method: clinical testing. Allele origin: germline.

Labcorp Genetics (formerly Invitae), Labcorp
Classification: Uncertain significance for Nephronophthisis 9. Last evaluated: 2022-08-16. Review status: criteria provided, single submitter. Criteria: Invitae Variant Classification Sherloc (09022015). Collection method: clinical testing. Allele origin: germline.
Comment: This sequence change replaces arginine, which is basic and polar, with tryptophan, which is neutral and slightly polar, at codon 602 of the NEK8 protein (p.Arg602Trp). This variant is present in population databases (rs773883764, gnomAD 0.01%). This missense change has been observed in individual(s) with nephronophthisis (PMID: 26967905). ClinVar contains an entry for this variant (Variation ID: 490180). Algorithms developed to predict the effect of missense changes on protein structure and function (SIFT, PolyPhen-2, Align-GVGD) all suggest that this variant is likely to be disruptive. Experimental studies have shown that this missense change affects NEK8 function (PMID: 26967905). In summary, the available evidence is currently insufficient to determine the role of this variant in disease. Therefore, it has been classified as a Variant of Uncertain Significance.

OMIM
Classification: Pathogenic for RENAL-HEPATIC-PANCREATIC DYSPLASIA 2. Last evaluated: 2018-02-14. Review status: no assertion criteria provided. Collection method: literature only. Allele origin: germline. Not counted in ClinVar's aggregate classification.

Literature cited by the submitters: PubMed 26967905 (cited by Labcorp Genetics (formerly Invitae), Labcorp and OMIM).